The following is an entry in ClinVar:

NM_014140.4(SMARCAL1):c.488C>T (p.Thr163Ile)

Gene: SMARCAL1 (SNF2 related chromatin remodeling annealing helicase 1; plus strand). Cytogenetic location: 2q35.
Variant type: single nucleotide variant.
Coding change: c.488C>T on transcript NM_014140.4 (MANE Select); coding-DNA position 488, C replaced by T.
Protein change: p.Thr163Ile; replaces threonine 163 with isoleucine.
Molecular consequence: missense variant.
Genome position (GRCh38, 1-based): chr2:216,415,192, C>T. VCF-style: chr2-216415192-C-T. GRCh37 (hg19) VCF-style: chr2-217279915-C-T.
Other names: c.488C>T, p.Thr163Ile (NM_001127207.2); short protein forms T163I.
Identifiers: ClinVar variation 3585585 (VCV003585585.2).

ClinVar aggregate classification (germline): Uncertain significance. Review status: criteria provided, multiple submitters, no conflicts (2 of 4 stars). 2 submissions from 2 submitters: Uncertain significance (2). Last evaluated 2026-04-27.

Conditions:
Schimke immuno-osseous dysplasia (SIOD). Also called: Schimke Immunoosseous Dysplasia. Identifiers: Orphanet 1830, MedGen C0877024, MONDO:0009458, OMIM 242900.

Submissions (2):

Women's Health and Genetics/Laboratory Corporation of America, LabCorp
Classification: Uncertain significance. Last evaluated: 2026-04-27. Review status: criteria provided, single submitter. Criteria: LabCorp Variant Classification Summary - May 2015. Collection method: clinical testing. Allele origin: germline.
Comment: Variant summary: SMARCAL1 c.488C>T (p.Thr163Ile) results in a non-conservative amino acid change in the encoded protein sequence. Algorithms developed to predict the effect of missense changes on protein structure and function are either unavailable or do not agree on the potential impact of this missense change. The variant was absent in 251228 control chromosomes. The available data on variant occurrences in the general population are insufficient to allow any conclusion about variant significance. c.488C>T, along with the SMARCAL1 c.2614T>C/p.Tyr872His variant (phase unknown), has been observed in an individual affected with focal segmental glomerulosclerosis and Hodgkins lymphoma (example: Bierzynska_2017). This report does not provide unequivocal conclusions about association of the variant with Schimke Immunoosseous Dysplasia. To our knowledge, no experimental evidence demonstrating an impact on protein function has been reported. The following publication has been ascertained in the context of this evaluation (PMID: 28117080). ClinVar contains an entry for this variant (Variation ID: 3585585). Based on the evidence outlined above, the variant was classified as uncertain significance.

Fulgent Genetics
Classification: Uncertain significance for Schimke immuno-osseous dysplasia. Last evaluated: 2024-06-12. Review status: criteria provided, single submitter. Criteria: ACMG Guidelines, 2015. Collection method: clinical testing. Allele origin: germline.

Literature cited by the submitters: PubMed 28117080 (cited by Women's Health and Genetics/Laboratory Corporation of America, LabCorp).